The following is an entry in ClinVar:

NM_006206.6(PDGFRA):c.569A>C (p.Glu190Ala)

Gene: PDGFRA (platelet derived growth factor receptor alpha; plus strand). Cytogenetic location: 4q12.
Variant type: single nucleotide variant.
Coding change: c.569A>C on transcript NM_006206.6 (MANE Select); coding-DNA position 569, A replaced by C.
Protein change: p.Glu190Ala; replaces glutamic acid 190 with alanine.
Molecular consequence: missense variant.
Genome position (GRCh38, 1-based): chr4:54,263,868, A>C. VCF-style: chr4-54263868-A-C. GRCh37 (hg19) VCF-style: chr4-55130035-A-C.
Other names: c.569A>C, p.Glu190Ala (NM_001347827.2, NM_001347829.2); c.644A>C, p.Glu215Ala (NM_001347828.2); c.608A>C, p.Glu203Ala (NM_001347830.2); short protein forms E203A, E215A, E190A.
Identifiers: ClinVar variation 3416424 (VCV003416424.1).

ClinVar aggregate classification (germline): Uncertain significance (1 of 4 stars; one submission).

Conditions:
Hereditary cancer-predisposing syndrome. Also called: Neoplastic Syndromes, Hereditary; Tumor predisposition; Hereditary Cancer Syndrome; Hereditary neoplastic syndrome. Identifiers: Orphanet 140162, MedGen C0027672, MeSH D009386, MONDO:0015356.

Submission:

Ambry Genetics
Classification: Uncertain significance for Hereditary cancer-predisposing syndrome. Last evaluated: 2024-09-22. Review status: criteria provided, single submitter. Criteria: Ambry Variant Classification Scheme 2023. Collection method: clinical testing. Allele origin: germline.
Comment: The p.E190A variant (also known as c.569A>C), located in coding exon 3 of the PDGFRA gene, results from an A to C substitution at nucleotide position 569. The glutamic acid at codon 190 is replaced by alanine, an amino acid with dissimilar properties. This amino acid position is conserved. In addition, this alteration is predicted to be tolerated by in silico analysis. Based on the available evidence, the clinical significance of this variant remains unclear.